The following is an entry in ClinVar:

NM_020458.4(TTC7A):c.1363G>A (p.Ala455Thr)

Gene: TTC7A (tetratricopeptide repeat domain 7A; plus strand). Cytogenetic location: 2p21.
Variant type: single nucleotide variant.
Coding change: c.1363G>A on transcript NM_020458.4 (MANE Select); coding-DNA position 1363, G replaced by A.
Protein change: p.Ala455Thr; replaces alanine 455 with threonine.
Molecular consequence: missense variant.
Genome position (GRCh38, 1-based): chr2:47,011,406, G>A. VCF-style: chr2-47011406-G-A. GRCh37 (hg19) VCF-style: chr2-47238545-G-A.
Other names: c.1363G>A, p.Ala455Thr (NM_001288951.2); c.1261G>A, p.Ala421Thr (NM_001288953.2); c.301G>A, p.Ala101Thr (NM_001288955.2); c.1363G>A (NM_020458.2); short protein forms A101T, A421T, A455T.
Identifiers: ClinVar variation 1017547 (VCV001017547.6), dbSNP rs147112070, ClinGen allele CA1647629.

ClinVar aggregate classification (germline): Uncertain significance. Review status: criteria provided, multiple submitters, no conflicts (2 of 4 stars). 2 submissions from 2 submitters: Uncertain significance (2). Last evaluated 2025-01-27.

Conditions:
Inborn genetic diseases. Identifiers: MedGen C0950123, MeSH D030342.
Multiple gastrointestinal atresias. Also called: Multiple intestinal atresia; FAMILIAL INTESTINAL POLYATRESIA SYNDROME. Identifiers: Orphanet 2300, MedGen C0220744, MONDO:0009465.

Allele frequency attached by ClinVar (database versions not stated): ExAC 0.00005; TOPMed 0.00006; gnomAD 0.00008 and 0.00009; ESP Exome Variant Server 0.00023.
gnomAD v4.1: 183 of 1,609,782 alleles (0.011%); highest among the groups gnomAD compares: South Asian, 0.03%; no homozygotes.

Submissions (2):

Labcorp Genetics (formerly Invitae), Labcorp
Classification: Uncertain significance for Multiple gastrointestinal atresias. Last evaluated: 2025-01-27. Review status: criteria provided, single submitter. Criteria: Invitae Variant Classification Sherloc (09022015). Collection method: clinical testing. Allele origin: germline.
Comment: This sequence change replaces alanine, which is neutral and non-polar, with threonine, which is neutral and polar, at codon 455 of the TTC7A protein (p.Ala455Thr). This variant is present in population databases (rs147112070, gnomAD 0.03%). This variant has not been reported in the literature in individuals affected with TTC7A-related conditions. ClinVar contains an entry for this variant (Variation ID: 1017547). Invitae Evidence Modeling of protein sequence and biophysical properties (such as structural, functional, and spatial information, amino acid conservation, physicochemical variation, residue mobility, and thermodynamic stability) indicates that this missense variant is not expected to disrupt TTC7A protein function with a negative predictive value of 80%. In summary, the available evidence is currently insufficient to determine the role of this variant in disease. Therefore, it has been classified as a Variant of Uncertain Significance.

Ambry Genetics
Classification: Uncertain significance for Inborn genetic diseases. Last evaluated: 2022-03-21. Review status: criteria provided, single submitter. Criteria: Ambry Variant Classification Scheme 2023. Collection method: clinical testing. Allele origin: germline.